The following is an entry in ClinVar:

NM_030667.3(PTPRO):c.1255A>G (p.Ser419Gly)

Gene: PTPRO (protein tyrosine phosphatase receptor type O; plus strand). Cytogenetic location: 12p12.3.
Variant type: single nucleotide variant.
Coding change: c.1255A>G on transcript NM_030667.3 (MANE Select); coding-DNA position 1255, A replaced by G.
Protein change: p.Ser419Gly; replaces serine 419 with glycine.
Molecular consequence: missense variant.
Genome position (GRCh38, 1-based): chr12:15,504,057, A>G. VCF-style: chr12-15504057-A-G. GRCh37 (hg19) VCF-style: chr12-15656991-A-G.
Other names: c.1255A>G, p.Ser419Gly (NM_002848.4); short protein forms S419G.
Identifiers: ClinVar variation 2044986 (VCV002044986.2), dbSNP rs201131856, ClinGen allele CA6466458.

ClinVar aggregate classification (germline): Uncertain significance. Review status: criteria provided, multiple submitters, no conflicts (2 of 4 stars). 2 submissions from 2 submitters: Uncertain significance (2). Last evaluated 2023-12-26.

Conditions:
Nephrotic syndrome, type 6 (NPHS6). Identifiers: Orphanet 656, MedGen C3280100, MONDO:0013619, OMIM 614196.

Allele frequency attached by ClinVar (database versions not stated): ESP Exome Variant Server 0.00008; gnomAD exomes 0.00012; ExAC 0.00014; TOPMed 0.00014; gnomAD 0.00016.
gnomAD v4.1: 197 of 1,612,000 alleles (0.012%); highest among the groups gnomAD compares: Admixed American, 0.018%; no homozygotes.

Submissions (2):

Fulgent Genetics
Classification: Uncertain significance for Nephrotic syndrome, type 6. Last evaluated: 2023-12-26. Review status: criteria provided, single submitter. Criteria: ACMG Guidelines, 2015. Collection method: clinical testing. Allele origin: germline.

Labcorp Genetics (formerly Invitae), Labcorp
Classification: Uncertain significance. Last evaluated: 2022-03-10. Review status: criteria provided, single submitter. Criteria: Invitae Variant Classification Sherloc (09022015). Collection method: clinical testing. Allele origin: germline.
Comment: This sequence change replaces serine, which is neutral and polar, with glycine, which is neutral and non-polar, at codon 419 of the PTPRO protein (p.Ser419Gly). This variant is present in population databases (rs201131856, gnomAD 0.02%). This variant has not been reported in the literature in individuals affected with PTPRO-related conditions. Algorithms developed to predict the effect of missense changes on protein structure and function are either unavailable or do not agree on the potential impact of this missense change (SIFT: "Deleterious"; PolyPhen-2: "Benign"; Align-GVGD: "Class C55"). In summary, the available evidence is currently insufficient to determine the role of this variant in disease. Therefore, it has been classified as a Variant of Uncertain Significance.